The following is an entry in ClinVar:

ClinVar aggregate classification (germline): Uncertain significance. Review status: criteria provided, multiple submitters, no conflicts (2 of 4 stars). 3 submissions from 3 submitters: Uncertain significance (3). Last evaluated 2025-12-17.

Conditions:
Cardiovascular phenotype. Identifiers: MedGen CN230736.
Hypertrophic cardiomyopathy 3. Also called: TPM1-Related Familial Hypertrophic Cardiomyopathy. Identifiers: MedGen C1861863, MONDO:0007267, OMIM 115196.

Allele frequency attached by ClinVar (database versions not stated): gnomAD exomes below 0.00001.
gnomAD v4.1: 1 of 1,614,196 alleles (0.000062%); highest among the groups gnomAD compares: Non-Finnish European, 0.000085%; no homozygotes.

Submissions (3):

3billion
Classification: Uncertain significance for Hypertrophic cardiomyopathy 3. Last evaluated: 2025-12-17. Review status: criteria provided, single submitter. Criteria: ACMG Guidelines, 2015. Collection method: clinical testing. Allele origin: germline. Affected: yes.
Comment: The variant is observed at an extremely low frequency in the gnomAD v4.1.0 dataset (total allele frequency: <0.001%). Predicted Consequence/Location: Missense variant In silico tool predictions suggest damaging effect of the variant on gene or gene product [REVEL: 0.72 (>=0.6, sensitivity 0.68 and specificity 0.92); 3Cnet: 1.00 (> 0.75, sensitivity 0.96 and precision 0.92)]. The variant has been reported as of uncertain significance (ClinVar ID: VCV000181664; 3billion dataset). Different missense changes at the same codon have been reported as of uncertain significance (ClinVar ID: VCV000220848, VCV001430748; 3billion dataset). However, the evidence of pathogenicity is insufficient at this time. Therefore, this variant is classified as VUS according to the recommendation of ACMG/AMP guideline.

Ambry Genetics
Classification: Uncertain significance for Cardiovascular phenotype. Last evaluated: 2025-10-29. Review status: criteria provided, single submitter. Criteria: Ambry Variant Classification Scheme 2023. Collection method: clinical testing. Allele origin: germline.
Comment: The p.I171M variant (also known as c.513C>G), located in coding exon 5 of the TPM1 gene, results from a C to G substitution at nucleotide position 513. The isoleucine at codon 171 is replaced by methionine, an amino acid with highly similar properties. This amino acid position is conserved. In addition, this alteration is predicted to be deleterious by in silico analysis. Based on the available evidence, the clinical significance of this variant remains unclear.

GeneDx
Classification: Uncertain significance. Last evaluated: 2017-06-09. Review status: criteria provided, single submitter. Criteria: GeneDx Variant Classification (06012015). Collection method: clinical testing. Allele origin: germline. Affected: yes.
Comment: The I171M variant in the TPM1 gene has not been reported as a disease-causing mutation or as a benign polymorphism to our knowledge. I171M results in a conservative amino acid substitution of one non-polar amino acid for another at a position that is conserved across species. In silico analysis was inconsistent with regard to the effect this variant may have on the protein structure/function. A mutation in a nearby residue (I172T) has been reported in association with HCM, supporting the functional importance of this region of the protein. The I171M variant was not observed in approximately 6,500 individuals of European and African American ancestry in the NHLBI Exome Sequencing Project, indicating it is not a common benign variant in these populations. Therefore, based on the currently available information, it is unclear whether this variant is a pathogenic mutation or a rare benign variant. The variant is found in HCM panel(s).

NM_001018005.2(TPM1):c.513C>G (p.Ile171Met)

Gene: TPM1 (tropomyosin 1; plus strand). Cytogenetic location: 15q22.2.
Variant type: single nucleotide variant.
Coding change: c.513C>G on transcript NM_001018005.2 (MANE Select); coding-DNA position 513, C replaced by G.
Protein change: p.Ile171Met; replaces isoleucine 171 with methionine.
Molecular consequence: missense variant.
Genome position (GRCh38, 1-based): chr15:63,060,889, C>G. VCF-style: chr15-63060889-C-G. GRCh37 (hg19) VCF-style: chr15-63353088-C-G.
Other names: p.I171M:ATC>ATG; c.513C>G, p.Ile171Met (NM_000366.6, NM_001018004.2, NM_001018006.2 and 6 more transcripts); c.405C>G, p.Ile135Met (NM_001018008.2, NM_001301289.2, NM_001330344.2 and 5 more transcripts); c.639C>G, p.Ile213Met (NM_001365778.1); short protein forms I171M, I213M, I135M.
Identifiers: ClinVar variation 181664 (VCV000181664.6), dbSNP rs730881137, ClinGen allele CA018984.